The following is an entry in ClinVar:

NM_053025.4(MYLK):c.1309+5G>A

Gene: MYLK (myosin light chain kinase; minus strand). Cytogenetic location: 3q21.1.
Variant type: single nucleotide variant.
Coding change: c.1309+5G>A on transcript NM_053025.4 (MANE Select); 5 bases into the intron after coding-DNA position 1309, G replaced by A.
Molecular consequence: intron variant.
Genome position (GRCh38, 1-based): chr3:123,733,682, C>T on the plus strand (G>A on the coding strand, the complement: MYLK is on the minus strand). VCF-style: chr3-123733682-C-T. GRCh37 (hg19) VCF-style: chr3-123452529-C-T.
Other names: c.781+5G>A (NM_001321309.2); c.1309+5G>A (NM_053028.4, NM_053026.4, NM_053027.4).
Identifiers: ClinVar variation 2156947 (VCV002156947.2), dbSNP rs756611808, ClinGen allele CA82942866.
Genomic context (GRCh38, chr3:123,733,682, plus strand): 5'-AGGAAGGGAGTGGCCACCAAGGGGCTACATTTTGGCAATCGGTGACCCTAATTACCTCTA[C>T]TCACCTTCACATCTGAACTTGACAGTTTGATTTTCCTTGACCTCCTGGCTTTGGGGCTTG-3'

ClinVar aggregate classification (germline): Uncertain significance (1 of 4 stars; one submission).

Conditions:
Aortic aneurysm, familial thoracic 7 (AAT7). Also called: AORTIC DISSECTION, FAMILIAL, WITH OR WITHOUT AORTIC ANEURYSM. Identifiers: MedGen C3151077, MONDO:0013418, OMIM 613780.

Allele frequency attached by ClinVar (database versions not stated): gnomAD 0.00001; TOPMed 0.00001.
gnomAD v4.1: 11 of 1,613,814 alleles (0.00068%); highest among the groups gnomAD compares: African/African-American, 0.0013%; no homozygotes.

Submission:

Labcorp Genetics (formerly Invitae), Labcorp
Classification: Uncertain significance for Aortic aneurysm, familial thoracic 7. Last evaluated: 2023-04-07. Review status: criteria provided, single submitter. Criteria: Invitae Variant Classification Sherloc (09022015). Collection method: clinical testing. Allele origin: germline.
Comment: In summary, the available evidence is currently insufficient to determine the role of this variant in disease. Therefore, it has been classified as a Variant of Uncertain Significance. Variants that disrupt the consensus splice site are a relatively common cause of aberrant splicing (PMID: 17576681, 9536098). Algorithms developed to predict the effect of sequence changes on RNA splicing suggest that this variant may disrupt the consensus splice site. ClinVar contains an entry for this variant (Variation ID: 2156947). This variant has not been reported in the literature in individuals affected with MYLK-related conditions. This variant is not present in population databases (gnomAD no frequency). This sequence change falls in intron 10 of the MYLK gene. It does not directly change the encoded amino acid sequence of the MYLK protein. It affects a nucleotide within the consensus splice site.

Literature cited by the submitters: PubMed 17576681; PubMed 9536098.